The following is an entry in ClinVar:

ClinVar aggregate classification (germline): Uncertain significance. Review status: reviewed by expert panel (3 of 4 stars). 10 submissions from 10 submitters: Uncertain significance (1). 9 of the submissions do not count toward it. Last evaluated 2026-04-02.

Conditions:
Miyoshi muscular dystrophy 1 (MMD1). Identifiers: Orphanet 45448, MedGen C4551973, MONDO:0024545, OMIM 254130.
Neuromuscular disease caused by qualitative or quantitative defects of dysferlin. Also called: Qualitative or quantitative defects of dysferlin; Dysferlinopathy. Identifiers: Orphanet 207073, MedGen C2931687, MONDO:0016145.
Autosomal recessive limb-girdle muscular dystrophy. Identifiers: Orphanet 102015, MedGen C2931907, MONDO:0015152.
Autosomal recessive limb-girdle muscular dystrophy type 2B (LGMDR2). Also called: MUSCULAR DYSTROPHY, LIMB-GIRDLE, TYPE 3; MUSCULAR DYSTROPHY, LIMB-GIRDLE, AUTOSOMAL RECESSIVE 2; Limb-Girdle Muscular Dystrophy Type 2B (LGMD2B); Limb-girdle muscular dystrophy, type 2B. Identifiers: Orphanet 268, MedGen C1850889, MONDO:0009676, OMIM 253601.

Allele frequency attached by ClinVar (database versions not stated): ESP Exome Variant Server 0.00008; gnomAD exomes 0.00009 and 0.00006; gnomAD 0.00024 and 0.00025; TOPMed 0.00025; ExAC 0.00001.
gnomAD v4.1: 131 of 1,613,990 alleles (0.0081%); highest among the groups gnomAD compares: Admixed American, 0.092%; no homozygotes.

Submissions (10):

ClinGen Limb Girdle Muscular Dystrophy Variant Curation Expert Panel, ClinGen
Classification: Uncertain significance for Autosomal recessive limb-girdle muscular dystrophy. Last evaluated: 2026-04-02. Review status: reviewed by expert panel. Criteria: ClinGen LGMD VCEP ACMG Specifications DYSF V2.0.0. Collection method: curation. Allele origin: germline. Inheritance: Autosomal recessive inheritance.
Comment: The NM_003494.4: c.3071C>T variant in DYSF, which is also known as NM_001130987.2: c.3125C>T p.(Pro1042Leu), is a missense variant predicted to cause the substitution of proline for leucine at amino acid position 1024, p.(Pro1024Leu). This variant has been identified in at least seven patients with features overlapping LGMD (PMID: 30564623, 31268554, ClinVar SCV000943023.6 internal data communication), including in a homozygous state without reported consanguinity (PMID: 30564623, LOVD Individual #00219788). However, in at least 5 individuals undergoing diagnostic testing found to be homozygous for this variant, Labcorp Genetics (formerly Invitae) also identified a homozygous pathogenic variant in another gene, GFPT1, which was not included on the panel employed in PMID: 30564623 (ClinVar SCV000943023.6 internal data communication). Based on the limited phenotype information available for the homozygous individuals, it was not possible to distinguish a possible dual contribution of both GFPT1 and DYSF from the possibility that GFPT1 alone could explain the clinical presentation, and so these cases were not scored. The c.3071C>T p.(Pro1024Leu) variant was also identified in unconfirmed phase with a variant independently classified as at least likely pathogenic in one individual with a clinical suspicion of LGMD (NM_003494.4: c.3486_3487del p.(Asp1163ProfsTer11), 0.25 pts, PMID: 31268554) (PP4). The Grpmax variant allele frequency in gnomAD v4.1.0 is 0.0009169 (55/59986 Admixed American chromosomes), which is greater than the ClinGen LGMD VCEP threshold of 0.0001 (PM2_Supporting not met). The computational predictor REVEL gives a score of 0.704, which is above the LGMD VCEP threshold of ≥0.70, evidence that correlates with impact to CAPN3 function (PP3). In summary, at this time there is insufficient evidence to classify this variant as pathogenic or benign, and it remains a variant of uncertain significance for autosomal recessive limb girdle muscular dystrophy based on the ACMG/AMP criteria applied, as specified by the ClinGen LGMD VCEP (LGMD VCEP specifications version 2.0.0; 04/02/2026): PP4, PP3.

Women's Health and Genetics/Laboratory Corporation of America, LabCorp
Classification: Uncertain significance. Last evaluated: 2026-03-16. Review status: criteria provided, single submitter. Criteria: LabCorp Variant Classification Summary - May 2015. Collection method: clinical testing. Allele origin: germline. Not counted in ClinVar's aggregate classification.
Comment: Variant summary: DYSF c.3071C>T (p.Pro1024Leu) results in a non-conservative amino acid change in the encoded protein sequence. Algorithms developed to predict the effect of missense changes on protein structure and function all suggest that this variant is likely to be disruptive. The variant allele was found at a frequency of 9.2e-05 in 250646 control chromosomes. This frequency is not significantly higher than estimated for disease-causing variants in DYSF, allowing no conclusion about variant significance. c.3071C>T has been observed as a biallelic genotype in individuals affected with autosomal recessive limb-girdle muscular dystrophy (e.g. Nallamilli_2018, Winckler_2019, Bevilacqua_2024). These data indicate that the variant may be associated with disease. To our knowledge, no experimental evidence demonstrating an impact on protein function has been reported. The following publications have been ascertained in the context of this evaluation (PMID: 39678382, 30564623, 31268554). ClinVar contains an entry for this variant (Variation ID: 285200). Based on the evidence outlined above, the variant was classified as VUS-possibly pathogenic.

Natera, Inc.
Classification: Likely pathogenic for Limb-girdle muscular dystrophy type 2B. Last evaluated: 2026-01-13. Review status: criteria provided, single submitter. Criteria: Natera Variant Classification Schema (03/2026). Collection method: clinical testing. Allele origin: germline. Not counted in ClinVar's aggregate classification.
Comment: The c.3071C>T variant in DYSF is a missense variant predicted to cause substitution of proline to leucine at amino acid 1024. This variant is rare in the general population with a frequency below the threshold expected for the associated phenotype(s). This variant has been observed in one or more individuals affected with the associated recessive disease, as either homozygous or compound heterozygous with a second variant (PMID: 30564623, 31268554). This variant has been identified in one or more affected individual with a phenotype highly consistent with the associated gene (PMID: 31268554). Computational prediction algorithms indicate this variant is likely to affect gene or protein function. Given the available evidence, this variant is classified as Likely Pathogenic.

Labcorp Genetics (formerly Invitae), Labcorp
Classification: Likely benign for Neuromuscular disease caused by qualitative or quantitative defects of dysferlin. Last evaluated: 2025-11-08. Review status: criteria provided, single submitter. Criteria: Invitae Variant Classification Sherloc (09022015). Collection method: clinical testing. Allele origin: germline. Not counted in ClinVar's aggregate classification.

Blueprint Genetics
Classification: Uncertain significance. Last evaluated: 2024-05-13. Review status: criteria provided, single submitter. Criteria: ACMG Guidelines, 2015. Collection method: clinical testing. Allele origin: germline. Not counted in ClinVar's aggregate classification.

Baylor Genetics
Classification: Likely pathogenic for Miyoshi muscular dystrophy 1. Last evaluated: 2024-03-27. Review status: criteria provided, single submitter. Criteria: ACMG Guidelines, 2015. Collection method: clinical testing. Allele origin: unknown. Not counted in ClinVar's aggregate classification.

Revvity Omics, Revvity
Classification: Uncertain significance. Last evaluated: 2020-10-31. Review status: criteria provided, single submitter. Criteria: ACMG Guidelines, 2015. Collection method: clinical testing. Allele origin: germline. Not counted in ClinVar's aggregate classification.

Athena Diagnostics
Classification: Uncertain significance. Last evaluated: 2020-01-22. Review status: criteria provided, single submitter. Criteria: Athena Diagnostics Criteria. Collection method: clinical testing. Allele origin: unknown. Not counted in ClinVar's aggregate classification.

Illumina Laboratory Services, Illumina
Classification: Uncertain significance for Qualitative or quantitative defects of dysferlin. Last evaluated: 2018-02-16. Review status: criteria provided, single submitter. Criteria: ICSL Variant Classification Criteria 13 December 2019. Collection method: clinical testing. Allele origin: germline. Not counted in ClinVar's aggregate classification.

Eurofins Ntd Llc (ga)
Classification: Uncertain significance. Last evaluated: 2017-11-17. Review status: criteria provided, single submitter. Criteria: EGL Classification Definitions 2015. Collection method: clinical testing. Allele origin: germline. Observed: 5 variant alleles, 4 heterozygotes, 1 homozygote. Not counted in ClinVar's aggregate classification.

Literature cited by the submitters: PubMed 30564623 (cited by Women's Health and Genetics/Laboratory Corporation of America, LabCorp and Natera, Inc.); PubMed 31268554 (cited by Women's Health and Genetics/Laboratory Corporation of America, LabCorp and Natera, Inc.); PubMed 39678382 (cited by Women's Health and Genetics/Laboratory Corporation of America, LabCorp).

NM_001130987.2(DYSF):c.3125C>T (p.Pro1042Leu)

Gene: DYSF (dysferlin; plus strand). Cytogenetic location: 2p13.2.
Variant type: single nucleotide variant.
Coding change: c.3125C>T on transcript NM_001130987.2 (MANE Select); coding-DNA position 3125, C replaced by T.
Protein change: p.Pro1042Leu; replaces proline 1042 with leucine.
Molecular consequence: missense variant.
Genome position (GRCh38, 1-based): chr2:71,570,638, C>T. VCF-style: chr2-71570638-C-T. GRCh37 (hg19) VCF-style: chr2-71797768-C-T.
Other names: NM_001130987.2(DYSF):c.3125C>T; p.Pro1042Leu; c.3074C>T, p.Pro1025Leu (NM_001130455.2, NM_001130983.2); c.3029C>T, p.Pro1010Leu (NM_001130976.2, NM_001130977.2); c.3071C>T, p.Pro1024Leu (NM_001130978.2, NM_003494.4); c.3164C>T, p.Pro1055Leu (NM_001130979.2); c.3122C>T, p.Pro1041Leu (NM_001130980.2, NM_001130981.2); c.3167C>T, p.Pro1056Leu (NM_001130982.2); and 2 more; short protein forms P1024L, P1042L, P1025L, P1041L, P1055L, P1056L, P1010L, P1011L.
Identifiers: ClinVar variation 285200 (VCV000285200.24), dbSNP rs372880553, ClinGen allele CA1706435.